The following is an entry in ClinVar:

ClinVar aggregate classification (germline): Uncertain significance (1 of 4 stars; one submission).

Conditions:
Retinitis pigmentosa 12 (RP12). Also called: RP WITH OR WITHOUT PRESERVED PARAARTERIOLE RETINAL PIGMENT EPITHELIUM; RETINITIS PIGMENTOSA WITH OR WITHOUT PARAARTERIOLAR PRESERVATION OF RETINAL PIGMENT EPITHELIUM; RP WITH OR WITHOUT PPRPE. Identifiers: Orphanet 791, MedGen C1838647, MONDO:0010818, OMIM 600105.
Leber congenital amaurosis 8 (LCA8). Identifiers: Orphanet 65, MedGen C3151202, MONDO:0013453, OMIM 613835.

Submission:

Labcorp Genetics (formerly Invitae), Labcorp
Classification: Uncertain significance for Leber congenital amaurosis 8; Retinitis pigmentosa 12. Last evaluated: 2024-02-24. Review status: criteria provided, single submitter. Criteria: Invitae Variant Classification Sherloc (09022015). Collection method: clinical testing. Allele origin: germline.
Comment: This sequence change replaces lysine, which is basic and polar, with threonine, which is neutral and polar, at codon 1075 of the CRB1 protein (p.Lys1075Thr). This variant is not present in population databases (gnomAD no frequency). This variant has not been reported in the literature in individuals affected with CRB1-related conditions. ClinVar contains an entry for this variant (Variation ID: 1363778). Advanced modeling of protein sequence and biophysical properties (such as structural, functional, and spatial information, amino acid conservation, physicochemical variation, residue mobility, and thermodynamic stability) has been performed at Invitae for this missense variant, however the output from this modeling did not meet the statistical confidence thresholds required to predict the impact of this variant on CRB1 protein function. In summary, the available evidence is currently insufficient to determine the role of this variant in disease. Therefore, it has been classified as a Variant of Uncertain Significance.

NM_201253.3(CRB1):c.3224A>C (p.Lys1075Thr)

Gene: CRB1 (crumbs cell polarity complex component 1; plus strand). Cytogenetic location: 1q31.3.
Variant type: single nucleotide variant.
Coding change: c.3224A>C on transcript NM_201253.3 (MANE Select); coding-DNA position 3224, A replaced by C.
Protein change: p.Lys1075Thr; replaces lysine 1075 with threonine.
Molecular consequence: missense variant. On other transcripts: non-coding transcript variant (2), intron variant (1).
Genome position (GRCh38, 1-based): chr1:197,435,087, A>C. VCF-style: chr1-197435087-A-C. GRCh37 (hg19) VCF-style: chr1-197404217-A-C.
Other names: c.2888A>C, p.Lys963Thr (NM_001193640.2); c.3152A>C, p.Lys1051Thr (NM_001257965.2); c.2129-513A>C (NM_001257966.2); short protein forms K1075T, K963T, K1051T.
Identifiers: ClinVar variation 1363778 (VCV001363778.8), dbSNP rs2125499800, ClinGen allele CA344046699.